The following is an entry in ClinVar:

ClinVar aggregate classification (germline): Pathogenic (1 of 4 stars; one submission).

Conditions:
Mandibulofacial dysostosis-microcephaly syndrome (MFDGA). Also called: Growth and mental retardation, mandibulofacial dysostosis, microcephaly, and cleft palate; Mandibulofacial dysostosis, Guion-Almeida type. Identifiers: Orphanet 79113, MedGen C1864652, MONDO:0012516, OMIM 610536.

Submission:

Greenwood Genetic Center Diagnostic Laboratories, Greenwood Genetic Center
Classification: Pathogenic for Mandibulofacial dysostosis-microcephaly syndrome. Last evaluated: 2024-11-11. Review status: criteria provided, single submitter. Criteria: ACMG Guidelines, 2015. Collection method: clinical testing. Allele origin: germline. Affected: yes.
Comment: PVS1, PM2, PM6

NM_004247.4(EFTUD2):c.2561+1G>A

Gene: EFTUD2 (elongation factor Tu GTP binding domain containing 2; minus strand). Cytogenetic location: 17q21.31.
Variant type: single nucleotide variant.
Coding change: c.2561+1G>A on transcript NM_004247.4 (MANE Select); the canonical splice donor site of the intron after coding-DNA position 2561, G replaced by A.
Molecular consequence: splice donor variant.
Genome position (GRCh38, 1-based): chr17:44,853,295, C>T on the plus strand (G>A on the coding strand, the complement: EFTUD2 is on the minus strand). VCF-style: chr17-44853295-C-T. GRCh37 (hg19) VCF-style: chr17-42930663-C-T.
Other names: c.2456+1G>A (NM_001142605.2); c.2531+1G>A (NM_001258354.2); c.2561+1G>A (NM_001258353.2).
Identifiers: ClinVar variation 3765760 (VCV003765760.1).
Genomic context (GRCh38, chr17:44,853,295, plus strand): 5'-AGGTGACTCTTGTTCTGCTCTTGCTCTCAGCACTCTCCCTAATACGCCTGGGGCCGCTCA[C>T]CTGCGCCTGGCCAGGACGGTATAAACTGCAGAGACGCAATCTGCAGGGGCCTGGACCTCT-3'